The following is an entry in ClinVar:

NM_001174147.2(LMX1B):c.886+19A>T

Gene: LMX1B (LIM homeobox transcription factor 1 beta; plus strand). Cytogenetic location: 9q33.3.
Variant type: single nucleotide variant.
Coding change: c.886+19A>T on transcript NM_001174147.2 (MANE Select); 19 bases into the intron after coding-DNA position 886, A replaced by T.
Molecular consequence: intron variant. On other transcripts: missense variant (1).
Genome position (GRCh38, 1-based): chr9:126,693,831, A>T. VCF-style: chr9-126693831-A-T. GRCh37 (hg19) VCF-style: chr9-129456110-A-T.
Other names: c.905A>T, p.Gln302Leu (NM_001174146.2); c.886+19A>T (NM_002316.4); short protein forms Q302L.
Identifiers: ClinVar variation 4991895 (VCV004991895.1).

ClinVar aggregate classification (germline): Uncertain significance (1 of 4 stars; one submission).

Conditions:
LMX1B-related disorder. Also called: LMX1B-related condition.

gnomAD v4.1: 1 of 1,152,056 alleles (0.000087%); highest among the groups gnomAD compares: Admixed American, 0.002%; no homozygotes.

Submission:

PreventionGenetics, part of Exact Sciences
Classification: Uncertain significance for LMX1B-related condition. Last evaluated: 2026-09-08. Review status: criteria provided, single submitter. Criteria: ACMG Guidelines, 2015. Collection method: clinical testing. Allele origin: germline.
Comment: The LMX1B c.905A>T variant is predicted to result in the amino acid substitution p.Gln302Leu. To our knowledge, this variant has not been reported in the literature. This variant is reported in 0.0041% of alleles in individuals of Latino descent in gnomAD. At this time, the clinical significance of this variant is uncertain due to the absence of conclusive functional and genetic evidence.